The following is an entry in ClinVar:

ClinVar aggregate classification (germline): Uncertain significance (1 of 4 stars; one submission).

Conditions:
Hereditary cancer-predisposing syndrome. Also called: Hereditary neoplastic syndrome; Hereditary Cancer Syndrome; Neoplastic Syndromes, Hereditary; Tumor predisposition. Identifiers: Orphanet 140162, MedGen C0027672, MeSH D009386, MONDO:0015356.

Submission:

Ambry Genetics
Classification: Uncertain significance for Hereditary cancer-predisposing syndrome. Last evaluated: 2023-04-19. Review status: criteria provided, single submitter. Criteria: Ambry Variant Classification Scheme 2023. Collection method: clinical testing. Allele origin: germline.
Comment: The p.R346W variant (also known as c.1036A>T), located in coding exon 11 of the NF2 gene, results from an A to T substitution at nucleotide position 1036. The arginine at codon 346 is replaced by tryptophan, an amino acid with dissimilar properties. This amino acid position is conserved. In addition, the in silico prediction for this alteration is inconclusive. Since supporting evidence is limited at this time, the clinical significance of this alteration remains unclear.

NM_000268.4(NF2):c.1036A>T (p.Arg346Trp)

Gene: NF2 (NF2, moesin-ezrin-radixin like (MERLIN) tumor suppressor; plus strand). Cytogenetic location: 22q12.2.
Variant type: single nucleotide variant.
Coding change: c.1036A>T on transcript NM_000268.4 (MANE Select); coding-DNA position 1036, A replaced by T.
Protein change: p.Arg346Trp; replaces arginine 346 with tryptophan.
Molecular consequence: missense variant. On other transcripts: intron variant (1).
Genome position (GRCh38, 1-based): chr22:29,671,862, A>T. VCF-style: chr22-29671862-A-T. GRCh37 (hg19) VCF-style: chr22-30067851-A-T.
Other names: c.922A>T, p.Arg308Trp (NM_001407053.1, NM_001407056.1); c.913A>T, p.Arg305Trp (NM_001407054.1, NM_001407058.1, NM_181829.3); c.910A>T, p.Arg304Trp (NM_001407055.1, NM_181828.3); c.901A>T, p.Arg301Trp (NM_001407057.1, NM_001407059.1); c.1036A>T, p.Arg346Trp (NM_001407060.1, NM_001407066.1, NM_016418.5 and 2 more transcripts); c.778A>T, p.Arg260Trp (NM_001407062.1); c.787A>T, p.Arg263Trp (NM_001407063.1, NM_001407064.1, NM_181830.3 and 1 more transcripts); c.502A>T, p.Arg168Trp (NM_001407065.1); and 2 more; short protein forms R263W, R269W, R304W, R346W, R260W, R305W, R308W, R168W.
Identifiers: ClinVar variation 2568056 (VCV002568056.2), dbSNP rs2518665617, ClinGen allele CA411146839.
Genomic context (GRCh38, chr22:29,671,862, plus strand): 5'-ACTGTTTTTCTTCACCCCTCGCAGATGGAGCGGCAGCGCCTCGCTCGAGAGAAGCAGATG[A>T]GGGAGGAGGCTGAACGCACGAGGGATGAGTTGGAGAGGAGGCTGCTGCAGATGAAAGAAG-3'
Protein context (NP_000259.1, residues 336-356): RQRLAREKQM[Arg346Trp]EEAERTRDEL